The following is an entry in ClinVar:

ClinVar aggregate classification (germline): Uncertain significance (1 of 4 stars; one submission).

Conditions:
Hypercholesterolemia, familial, 4 (FHCL4). Also called: HYPERCHOLESTEROLEMIA, AUTOSOMAL RECESSIVE, 1; HYPERCHOLESTEROLEMIA, AUTOSOMAL RECESSIVE, 2. Identifiers: Orphanet 391665, MedGen C1863512, MONDO:0011374, OMIM 603813.

gnomAD v4.1: 1 of 1,614,066 alleles (0.000062%); no homozygotes.

Submission:

Institute of Human Genetics, Medical University Innsbruck
Classification: Uncertain significance for Hypercholesterolemia, familial, 4. Last evaluated: 2022-02-10. Review status: criteria provided, single submitter. Criteria: ACMG Guidelines, 2015. Collection method: clinical testing. Allele origin: germline. Affected: yes. Observed: 1 variant allele.
Comment: Transversion from G to T in exon 3.

NM_015627.3(LDLRAP1):c.327G>T (p.Glu109Asp)

Gene: LDLRAP1 (low density lipoprotein receptor adaptor protein 1; plus strand). Cytogenetic location: 1p36.11.
Variant type: single nucleotide variant.
Coding change: c.327G>T on transcript NM_015627.3 (MANE Select); coding-DNA position 327, G replaced by T.
Protein change: p.Glu109Asp; replaces glutamic acid 109 with aspartic acid.
Molecular consequence: missense variant.
Genome position (GRCh38, 1-based): chr1:25,554,955, G>T. VCF-style: chr1-25554955-G-T. GRCh37 (hg19) VCF-style: chr1-25881446-G-T.
Other names: short protein forms E109D.
Identifiers: ClinVar variation 1341572 (VCV001341572.2), dbSNP rs2044165165, ClinGen allele CA339078508.